The following is an entry in ClinVar:

ClinVar aggregate classification (germline): Uncertain significance. Review status: criteria provided, multiple submitters, no conflicts (2 of 4 stars). 2 submissions from 2 submitters: Uncertain significance (2). Last evaluated 2025-09-23.

Conditions:
Inborn genetic diseases. Identifiers: MedGen C0950123, MeSH D030342.

Allele frequency attached by ClinVar (database versions not stated): TOPMed below 0.00001; gnomAD 0.00001; gnomAD exomes 0.00001.
gnomAD v4.1: 5 of 1,207,653 alleles (0.00041%); highest among the groups gnomAD compares: Non-Finnish European, 0.00056%; no homozygotes.

Submissions (2):

Women's Health and Genetics/Laboratory Corporation of America, LabCorp
Classification: Uncertain significance. Last evaluated: 2025-09-23. Review status: criteria provided, single submitter. Criteria: LabCorp Variant Classification Summary - May 2015. Collection method: clinical testing. Allele origin: germline.
Comment: Variant summary: FRMPD4 c.1954T>A (p.Ser652Thr) results in a conservative amino acid change in the encoded protein sequence. Algorithms developed to predict the effect of missense changes on protein structure and function are either unavailable or do not agree on the potential impact of this missense change. The variant was absent in 183390 control chromosomes. The available data on variant occurrences in the general population are insufficient to allow any conclusion about variant significance. To our knowledge, no occurrence of c.1954T>A in individuals affected with FRMPD4-related conditions and no experimental evidence demonstrating its impact on protein function have been reported. ClinVar contains an entry for this variant (Variation ID: 1321346). Based on the evidence outlined above, the variant was classified as uncertain significance.

Ambry Genetics
Classification: Uncertain significance for Inborn genetic diseases. Last evaluated: 2022-07-26. Review status: criteria provided, single submitter. Criteria: Ambry Variant Classification Scheme 2023. Collection method: clinical testing. Allele origin: germline.

NM_001368397.1(FRMPD4):c.1954T>A (p.Ser652Thr)

Gene: FRMPD4 (FERM and PDZ domain containing 4; plus strand). Cytogenetic location: Xp22.2.
Variant type: single nucleotide variant.
Coding change: c.1954T>A on transcript NM_001368397.1 (MANE Select); coding-DNA position 1954, T replaced by A.
Protein change: p.Ser652Thr; replaces serine 652 with threonine.
Molecular consequence: missense variant.
Genome position (GRCh38, 1-based): chrX:12,716,413, T>A. VCF-style: chrX-12716413-T-A. GRCh37 (hg19) VCF-style: chrX-12734532-T-A.
Other names: c.2065T>A, p.Ser689Thr (NM_001368395.3, NM_001368398.3); c.1960T>A, p.Ser654Thr (NM_001368396.3); c.1945T>A, p.Ser649Thr (NM_001368399.3); c.1834T>A, p.Ser612Thr (NM_001368400.3); c.1930T>A, p.Ser644Thr (NM_001368401.1, NM_001368402.3); c.1954T>A, p.Ser652Thr (NM_014728.3); short protein forms S612T, S644T, S649T, S652T, S654T, S689T.
Identifiers: ClinVar variation 1321346 (VCV001321346.5), dbSNP rs1277751974, ClinGen allele CA412309789.
Genomic context (GRCh38, chrX:12,716,413, plus strand): 5'-ACCCTCTCAGGACCAGAAACTCTGAAGAAAGCACAGGAATCTCCGAGAGGAGCTAAAGTG[T>A]CCTTTATTTTTGGAGACTTCGCCTTGGATGATGGTATTAGTCCCCCAACCCTTGGCTATG-3'
Protein context (NP_001355326.1, residues 642-662): AQESPRGAKV[Ser652Thr]FIFGDFALDD